The following is an entry in ClinVar:

ClinVar aggregate classification (germline): Conflicting classifications of pathogenicity. Review status: criteria provided, conflicting classifications (1 of 4 stars). 5 submissions from 5 submitters: Uncertain significance (3); Benign (1); Likely benign (1). Last evaluated 2025-10-21.

Conditions:
Emery-Dreifuss muscular dystrophy 5, autosomal dominant (EDMD5). Also called: EMERY-DREIFUSS MUSCULAR DYSTROPHY 5. Identifiers: Orphanet 261, MedGen C2751805, MONDO:0013072, OMIM 612999.

Allele frequency attached by ClinVar (database versions not stated): gnomAD exomes 0.00009 and 0.00014; ExAC 0.00012; gnomAD 0.00016 and 0.00018; TOPMed 0.00017; ESP Exome Variant Server 0.00023.
gnomAD v4.1: 223 of 1,613,682 alleles (0.014%); highest among the groups gnomAD compares: African/African-American, 0.029%; no homozygotes.

Submissions (5):

Labcorp Genetics (formerly Invitae), Labcorp
Classification: Uncertain significance for Emery-Dreifuss muscular dystrophy 5, autosomal dominant. Last evaluated: 2025-10-21. Review status: criteria provided, single submitter. Criteria: Invitae Variant Classification Sherloc (09022015). Collection method: clinical testing. Allele origin: germline.
Comment: This sequence change replaces arginine, which is basic and polar, with glutamine, which is neutral and polar, at codon 6345 of the SYNE2 protein (p.Arg6345Gln). This variant is present in population databases (rs141882853, gnomAD 0.05%), and has an allele count higher than expected for a pathogenic variant. This variant has not been reported in the literature in individuals affected with SYNE2-related conditions. ClinVar contains an entry for this variant (Variation ID: 313645). An algorithm developed to predict the effect of missense changes on protein structure and function outputs the following: PolyPhen-2: "Benign". The glutamine amino acid residue is found in multiple mammalian species, which suggests that this missense change does not adversely affect protein function. In summary, the available evidence is currently insufficient to determine the role of this variant in disease. Therefore, it has been classified as a Variant of Uncertain Significance.

Ambry Genetics
Classification: Uncertain significance. Last evaluated: 2024-01-03. Review status: criteria provided, single submitter. Criteria: Ambry Variant Classification Scheme 2023. Collection method: clinical testing. Allele origin: germline.

Revvity Omics, Revvity
Classification: Likely benign for Emery-Dreifuss muscular dystrophy 5, autosomal dominant. Last evaluated: 2023-06-07. Review status: criteria provided, single submitter. Criteria: ACMG Guidelines, 2015. Collection method: clinical testing. Allele origin: germline.

Athena Diagnostics
Classification: Uncertain significance. Last evaluated: 2021-04-28. Review status: criteria provided, single submitter. Criteria: Athena Diagnostics criteria. Collection method: clinical testing. Allele origin: unknown.

Illumina Laboratory Services, Illumina
Classification: Benign for Emery-Dreifuss muscular dystrophy 5, autosomal dominant. Last evaluated: 2018-01-13. Review status: criteria provided, single submitter. Criteria: ICSL Variant Classification Criteria 13 December 2019. Collection method: clinical testing. Allele origin: germline.
Comment: This variant was observed in the ICSL laboratory as part of a predisposition screen in an ostensibly healthy population. It had not been previously curated by ICSL or reported in the Human Gene Mutation Database (HGMD: prior to June 1st, 2018), and was therefore a candidate for classification through an automated scoring system. Utilizing variant allele frequency, disease prevalence and penetrance estimates, and inheritance mode, an automated score was calculated to assess if this variant is too frequent to cause the disease. Based on the score and internal cut-off values, a variant classified as benign is not then subjected to further curation. The score for this variant resulted in a classification of benign for this disease.

NM_182914.3(SYNE2):c.19034G>A (p.Arg6345Gln)

Gene: SYNE2 (spectrin repeat containing nuclear envelope protein 2; plus strand). Cytogenetic location: 14q23.2.
Variant type: single nucleotide variant.
Coding change: c.19034G>A on transcript NM_182914.3 (MANE Select); coding-DNA position 19034, G replaced by A.
Protein change: p.Arg6345Gln; replaces arginine 6345 with glutamine.
Molecular consequence: missense variant.
Genome position (GRCh38, 1-based): chr14:64,212,983, G>A. VCF-style: chr14-64212983-G-A. GRCh37 (hg19) VCF-style: chr14-64679701-G-A.
Other names: c.19034G>A, p.Arg6345Gln (NM_015180.6); short protein forms R6345Q.
Identifiers: ClinVar variation 313645 (VCV000313645.19), dbSNP rs141882853, ClinGen allele CA7224285.
Genomic context (GRCh38, chr14:64,212,983, plus strand): 5'-AGCTGGAGGAACTCCACCGCTACTGCCAGGAGGTGTTTGGAAGGGTCTCCCGGTTCCACC[G>A]GCGGCTCACCTCCTGCACTCCGGTACGGGCACTGCTGCCTAGAAATGGCACCTGGGCTGC-3'
Protein context (NP_878918.2, residues 6335-6355): EVFGRVSRFH[Arg6345Gln]RLTSCTPGLE